The following is an entry in ClinVar:

NM_000245.4(MET):c.3797T>A (p.Val1266Glu)

Gene: MET (MET proto-oncogene, receptor tyrosine kinase; plus strand). Cytogenetic location: 7q31.2.
Variant type: single nucleotide variant.
Coding change: c.3797T>A on transcript NM_000245.4 (MANE Select); coding-DNA position 3797, T replaced by A.
Protein change: p.Val1266Glu; replaces valine 1266 with glutamic acid.
Molecular consequence: missense variant.
Genome position (GRCh38, 1-based): chr7:116,783,468, T>A. VCF-style: chr7-116783468-T-A. GRCh37 (hg19) VCF-style: chr7-116423522-T-A.
Other names: c.3851T>A, p.Val1284Glu (NM_001127500.3); c.2507T>A, p.Val836Glu (NM_001324402.2); short protein forms V1266E, V1284E, V836E.
Identifiers: ClinVar variation 1320756 (VCV001320756.11), dbSNP rs2117067730, ClinGen allele CA368992067.
Genomic context (GRCh38, chr7:116,783,468, plus strand): 5'-CAGTGAAGTGGATGGCTTTGGAAAGTCTGCAAACTCAAAAGTTTACCACCAAGTCAGATG[T>A]GGTAATGTATTGGTTATCTCTGAGTTTCTCCTCTTTTACTTTCATATCCAACTTTTTTTG-3'
Protein context (NP_000236.2, residues 1256-1276): QTQKFTTKSD[Val1266Glu]WSFGVLLWEL

ClinVar aggregate classification (germline): Uncertain significance. Review status: criteria provided, multiple submitters, no conflicts (2 of 4 stars). 3 submissions from 3 submitters: Uncertain significance (3). Last evaluated 2026-07-09.

Conditions:
Renal cell carcinoma. Identifiers: Orphanet 217071, MedGen C0007134, MeSH D002292, MONDO:0005086, HP:0005584.
Hereditary cancer-predisposing syndrome. Also called: Hereditary Cancer Syndrome; Neoplastic Syndromes, Hereditary; Hereditary neoplastic syndrome; Tumor predisposition. Identifiers: Orphanet 140162, MedGen C0027672, MeSH D009386, MONDO:0015356.

Submissions (3):

Ambry Genetics
Classification: Uncertain significance for Hereditary cancer-predisposing syndrome. Last evaluated: 2026-07-09. Review status: criteria provided, single submitter. Criteria: Ambry Variant Classification Scheme 2023. Collection method: clinical testing. Allele origin: germline.
Comment: The p.V1284E variant (also known as c.3851T>A), located in coding exon 18 of the MET gene, results from a T to A substitution at nucleotide position 3851. The valine at codon 1284 is replaced by glutamic acid, an amino acid with dissimilar properties. This amino acid position is highly conserved in available vertebrate species. In addition, this alteration is predicted to be deleterious by in silico analysis. Based on the available evidence, the clinical significance of this variant remains unclear.

Labcorp Genetics (formerly Invitae), Labcorp
Classification: Uncertain significance for Renal cell carcinoma. Last evaluated: 2021-06-10. Review status: criteria provided, single submitter. Criteria: Invitae Variant Classification Sherloc (09022015). Collection method: clinical testing. Allele origin: germline.
Comment: In summary, the available evidence is currently insufficient to determine the role of this variant in disease. Therefore, it has been classified as a Variant of Uncertain Significance. Algorithms developed to predict the effect of missense changes on protein structure and function (SIFT, PolyPhen-2, Align-GVGD) all suggest that this variant is likely to be disruptive, but these predictions have not been confirmed by published functional studies and their clinical significance is uncertain. This variant has not been reported in the literature in individuals with MET-related conditions. This variant is not present in population databases (ExAC no frequency). This sequence change replaces valine with glutamic acid at codon 1284 of the MET protein (p.Val1284Glu). The valine residue is highly conserved and there is a moderate physicochemical difference between valine and glutamic acid.

GeneDx
Classification: Uncertain significance. Last evaluated: 2019-09-17. Review status: criteria provided, single submitter. Criteria: GeneDx Variant Classification Process June 2021. Collection method: clinical testing. Allele origin: germline. Affected: yes.
Comment: Not observed in large population cohorts (Lek 2016); In silico analysis, which includes protein predictors and evolutionary conservation, supports a deleterious effect; Has not been previously published as pathogenic or benign to our knowledge